The following is an entry in ClinVar:

ClinVar aggregate classification (germline): Conflicting classifications of pathogenicity. Review status: criteria provided, conflicting classifications (1 of 4 stars). 5 submissions from 5 submitters: Uncertain significance (3); Likely benign (2). Last evaluated 2026-07-21.

Conditions:
TTN-related disorder. Also called: TTN-related condition; TTN-related disease; TTN-related disorders.
Cardiovascular phenotype. Identifiers: MedGen CN230736.

Allele frequency attached by ClinVar (database versions not stated): ExAC 0.00001; gnomAD exomes 0.00001 and 0.00002; gnomAD 0.00007 and 0.00008; ESP Exome Variant Server 0.00008; TOPMed 0.00010.
gnomAD v4.1: 19 of 1,613,658 alleles (0.0012%); highest among the groups gnomAD compares: African/African-American, 0.025%; no homozygotes.

Submissions (5):

PreventionGenetics, part of Exact Sciences
Classification: Uncertain significance for TTN-related condition. Last evaluated: 2026-07-21. Review status: criteria provided, single submitter. Criteria: ACMG Guidelines, 2015. Collection method: clinical testing. Allele origin: germline.
Comment: The TTN c.95462A>G variant is predicted to result in the amino acid substitution p.Lys31821Arg. To our knowledge, this variant has not been reported in the literature. This variant is reported in 0.029% of alleles in individuals of African descent in gnomAD. At this time, the clinical significance of this variant is uncertain due to the absence of conclusive functional and genetic evidence.

Women's Health and Genetics/Laboratory Corporation of America, LabCorp
Classification: Uncertain significance. Last evaluated: 2026-06-01. Review status: criteria provided, single submitter. Criteria: LabCorp Variant Classification Summary - May 2015. Collection method: clinical testing. Allele origin: germline.
Comment: Variant summary: TTN c.87758A>G (p.Lys29253Arg) results in a conservative amino acid change in the encoded protein sequence. Algorithms developed to predict the effect of missense changes on protein structure and function are either unavailable or do not agree on the potential impact of this missense change. The variant allele was found at a frequency of 2e-05 in 248842 control chromosomes. The available data on variant occurrences in the general population are insufficient to allow any conclusion about variant significance. To our knowledge, no occurrence of c.87758A>G in individuals affected with TTN-related conditions and no experimental evidence demonstrating its impact on protein function have been reported. ClinVar contains an entry for this variant (Variation ID: 1217819). Based on the evidence outlined above, the variant was classified as uncertain significance.

Ambry Genetics
Classification: Likely benign for Cardiovascular phenotype. Last evaluated: 2021-09-24. Review status: criteria provided, single submitter. Criteria: Ambry Variant Classification Scheme 2023. Collection method: clinical testing. Allele origin: germline.

GeneDx
Classification: Likely benign. Last evaluated: 2020-02-11. Review status: criteria provided, single submitter. Criteria: GeneDx Variant Classification Process June 2021. Collection method: clinical testing. Allele origin: germline. Affected: yes.

Revvity Omics, Revvity
Classification: Uncertain significance. Last evaluated: 2019-11-25. Review status: criteria provided, single submitter. Criteria: ACMG Guidelines, 2015. Collection method: clinical testing. Allele origin: germline.

NM_001267550.2(TTN):c.95462A>G (p.Lys31821Arg)

Genes: TTN-AS1 (TTN antisense RNA 1; plus strand), TTN (titin; minus strand). Cytogenetic location: 2q31.2.
Variant type: single nucleotide variant.
Coding change: c.95462A>G on transcript NM_001267550.2 (MANE Select); coding-DNA position 95462, A replaced by G.
Protein change: p.Lys31821Arg; replaces lysine 31821 with arginine.
Molecular consequence: missense variant.
Genome position (GRCh38, 1-based): chr2:178,545,648, T>C on the plus strand (A>G on the coding strand, the complement: TTN is on the minus strand). VCF-style: chr2-178545648-T-C. GRCh37 (hg19) VCF-style: chr2-179410375-T-C.
Other names: c.90539A>G, p.Lys30180Arg (NM_001256850.1); c.68267A>G, p.Lys22756Arg (NM_003319.4); c.87758A>G, p.Lys29253Arg (NM_133378.4); c.68642A>G, p.Lys22881Arg (NM_133432.3); c.68843A>G, p.Lys22948Arg (NM_133437.4); short protein forms K22756R, K22881R, K22948R, K29253R, K30180R, K31821R.
Identifiers: ClinVar variation 1217819 (VCV001217819.9), dbSNP rs372388579, ClinGen allele CA1986946.